The following is an entry in ClinVar:

NM_002454.3(MTRR):c.976A>G (p.Ser326Gly)

Gene: MTRR (5-methyltetrahydrofolate-homocysteine methyltransferase reductase; plus strand). Cytogenetic location: 5p15.31.
Variant type: single nucleotide variant.
Coding change: c.976A>G on transcript NM_002454.3 (MANE Select); coding-DNA position 976, A replaced by G.
Protein change: p.Ser326Gly; replaces serine 326 with glycine.
Molecular consequence: missense variant. On other transcripts: non-coding transcript variant (14).
Genome position (GRCh38, 1-based): chr5:7,885,773, A>G. VCF-style: chr5-7885773-A-G. GRCh37 (hg19) VCF-style: chr5-7885886-A-G.
Other names: c.976A>G, p.Ser326Gly (NM_001364440.2, NM_001364441.2, NM_001364442.2 and 1 more transcripts); short protein forms S326G.
Identifiers: ClinVar variation 1410955 (VCV001410955.8), dbSNP rs2126745139, ClinGen allele CA359157892.

ClinVar aggregate classification (germline): Uncertain significance (1 of 4 stars; one submission).

Conditions:
Methylcobalamin deficiency type cblE (HMAE). Also called: HOMOCYSTINURIA-MEGALOBLASTIC ANEMIA, cblE COMPLEMENTATION TYPE; HOMOCYSTINURIA-MEGALOBLASTIC ANEMIA, cblE TYPE; VITAMIN B12-RESPONSIVE HOMOCYSTINURIA, cblE TYPE. Identifiers: Orphanet 2169, Orphanet 622, MedGen C1856057, MONDO:0009354, OMIM 236270.

Allele frequency attached by ClinVar (database versions not stated): gnomAD exomes below 0.00001.

Submission:

Labcorp Genetics (formerly Invitae), Labcorp
Classification: Uncertain significance for Methylcobalamin deficiency type cblE. Last evaluated: 2021-12-02. Review status: criteria provided, single submitter. Criteria: Invitae Variant Classification Sherloc (09022015). Collection method: clinical testing. Allele origin: germline.
Comment: In summary, the available evidence is currently insufficient to determine the role of this variant in disease. Therefore, it has been classified as a Variant of Uncertain Significance. Algorithms developed to predict the effect of missense changes on protein structure and function output the following: SIFT: "Tolerated"; PolyPhen-2: "Benign"; Align-GVGD: "Class C0". The glycine amino acid residue is found in multiple mammalian species, which suggests that this missense change does not adversely affect protein function. This variant has not been reported in the literature in individuals affected with MTRR-related conditions. This variant is not present in population databases (gnomAD no frequency). This sequence change replaces serine, which is neutral and polar, with glycine, which is neutral and non-polar, at codon 326 of the MTRR protein (p.Ser326Gly).